The following is an entry in ClinVar:

NM_001276270.2(MBD4):c.633T>A (p.His211Gln)

Gene: MBD4 (methyl-CpG binding domain 4, DNA glycosylase; minus strand). Cytogenetic location: 3q21.3.
Variant type: single nucleotide variant.
Coding change: c.633T>A on transcript NM_001276270.2 (MANE Select); coding-DNA position 633, T replaced by A.
Protein change: p.His211Gln; replaces histidine 211 with glutamine.
Molecular consequence: missense variant. On other transcripts: intron variant (1).
Genome position (GRCh38, 1-based): chr3:129,437,011, A>T on the plus strand (T>A on the coding strand, the complement: MBD4 is on the minus strand). VCF-style: chr3-129437011-A-T. GRCh37 (hg19) VCF-style: chr3-129155854-A-T.
Other names: c.633T>A, p.His211Gln (NM_001276271.2, NM_001276272.2, NM_003925.3); c.247+797T>A (NM_001276273.2); short protein forms H211Q.
Identifiers: ClinVar variation 4624435 (VCV004624435.1).

ClinVar aggregate classification (germline): Uncertain significance (1 of 4 stars; one submission).

Conditions:
Inborn genetic diseases. Identifiers: MedGen C0950123, MeSH D030342.

Submission:

Ambry Genetics
Classification: Uncertain significance for Inborn genetic diseases. Last evaluated: 2025-12-06. Review status: criteria provided, single submitter. Criteria: Ambry Variant Classification Scheme 2023. Collection method: clinical testing. Allele origin: germline.
Comment: The p.H211Q variant (also known as c.633T>A), located in coding exon 3 of the MBD4 gene, results from a T to A substitution at nucleotide position 633. The histidine at codon 211 is replaced by glutamine, an amino acid with highly similar properties. This amino acid position is conserved. In addition, this alteration is predicted to be tolerated by in silico analysis. Based on the available evidence, the clinical significance of this variant remains unclear.